The following is an entry in ClinVar:

NM_002485.5(NBN):c.168C>A (p.Asn56Lys)

Gene: NBN (nibrin; minus strand). Cytogenetic location: 8q21.3.
Variant type: single nucleotide variant.
Coding change: c.168C>A on transcript NM_002485.5 (MANE Select); coding-DNA position 168, C replaced by A.
Protein change: p.Asn56Lys; replaces asparagine 56 with lysine.
Molecular consequence: missense variant. On other transcripts: 5 prime UTR variant (1).
Genome position (GRCh38, 1-based): chr8:89,982,725, G>T on the plus strand (C>A on the coding strand, the complement: NBN is on the minus strand). VCF-style: chr8-89982725-G-T. GRCh37 (hg19) VCF-style: chr8-90994953-G-T.
Other names: c.-129C>A (NM_001024688.3); short protein forms N56K.
Identifiers: ClinVar variation 1524737 (VCV001524737.6), dbSNP rs1586111516, ClinGen allele CA371662876.
Genomic context (GRCh38, chr8:89,982,725, plus strand): 5'-TATTTTGTGATTTCAACCCCCTTACTGGAAACTAGTGAAATAAAATTAGTAACATACCAG[G>T]TTGGTTACAGAAAAGTTAGCAGTTAACACAGCATGATTTCGGCTGATCGACTGATCATTT-3'
Protein context (NP_002476.2, residues 46-66): AVLTANFSVT[Asn56Lys]LSQTDEIPVL

ClinVar aggregate classification (germline): Uncertain significance (1 of 4 stars; one submission).

Conditions:
Microcephaly, normal intelligence and immunodeficiency (NBS). Also called: SEEMANOVA SYNDROME II; Ataxia telangiectasia variant V1; BERLIN BREAKAGE SYNDROME; Immunodeficiency, microcephaly with normal intelligence; Nijmegen breakage syndrome; Microcephaly with normal intelligence immunodeficiency and lymphoreticular malignancies. Identifiers: Orphanet 647, MedGen C0398791, MONDO:0009623, OMIM 251260.

Submission:

Labcorp Genetics (formerly Invitae), Labcorp
Classification: Uncertain significance for Microcephaly, normal intelligence and immunodeficiency. Last evaluated: 2021-08-06. Review status: criteria provided, single submitter. Criteria: Invitae Variant Classification Sherloc (09022015). Collection method: clinical testing. Allele origin: germline.
Comment: This sequence change replaces asparagine with lysine at codon 56 of the NBN protein (p.Asn56Lys). The asparagine residue is weakly conserved and there is a moderate physicochemical difference between asparagine and lysine. This variant is not present in population databases (ExAC no frequency). This variant has not been reported in the literature in individuals affected with NBN-related conditions. Algorithms developed to predict the effect of missense changes on protein structure and function are either unavailable or do not agree on the potential impact of this missense change (SIFT: "Tolerated"; PolyPhen-2: "Possibly Damaging"; Align-GVGD: "Class C0"). In summary, the available evidence is currently insufficient to determine the role of this variant in disease. Therefore, it has been classified as a Variant of Uncertain Significance.